The following is an entry in ClinVar:

NM_001042492.3(NF1):c.5419G>T (p.Gly1807Cys)

Gene: NF1 (neurofibromin 1; plus strand). Cytogenetic location: 17q11.2.
Variant type: single nucleotide variant.
Coding change: c.5419G>T on transcript NM_001042492.3 (MANE Select); coding-DNA position 5419, G replaced by T.
Protein change: p.Gly1807Cys; replaces glycine 1807 with cysteine.
Molecular consequence: missense variant.
Genome position (GRCh38, 1-based): chr17:31,327,649, G>T. VCF-style: chr17-31327649-G-T. GRCh37 (hg19) VCF-style: chr17-29654667-G-T.
Other names: c.5356G>T, p.Gly1786Cys (NM_000267.4); short protein forms G1786C, G1807C.
Identifiers: ClinVar variation 1804338 (VCV001804338.1), dbSNP rs1443729188, ClinGen allele CA399009401.

ClinVar aggregate classification (germline): Uncertain significance (1 of 4 stars; one submission).

Submission:

GeneDx
Classification: Uncertain significance. Last evaluated: 2022-06-13. Review status: criteria provided, single submitter. Criteria: GeneDx Variant Classification Process June 2021. Collection method: clinical testing. Allele origin: germline. Affected: yes.
Comment: Not observed at significant frequency in large population cohorts (gnomAD); In silico analysis supports that this missense variant has a deleterious effect on protein structure/function; Has not been previously published as pathogenic or benign to our knowledge